The following is an entry in ClinVar:

ClinVar aggregate classification (germline): Likely benign. Review status: criteria provided, single submitter (1 of 4 stars). 2 submissions from 2 submitters: Likely benign (1). 1 of the submissions does not count toward it. Last evaluated 2025-10-21.

Conditions:
PIEZO1-related disorder. Also called: PIEZO1-related condition; PIEZO1-Related Disorders.

Allele frequency attached by ClinVar (database versions not stated): gnomAD 0.00013; ESP Exome Variant Server 0.00022; ExAC 0.00073; 1000 Genomes Project 30x 0.00078; 1000 Genomes Project 0.00100.
gnomAD v4.1: 188 of 1,546,036 alleles (0.012%); highest among the groups gnomAD compares: South Asian, 0.17%; 1 homozygote.

Submissions (2):

Labcorp Genetics (formerly Invitae), Labcorp
Classification: Likely benign. Last evaluated: 2025-10-21. Review status: criteria provided, single submitter. Criteria: Invitae Variant Classification Sherloc (09022015). Collection method: clinical testing. Allele origin: germline.

PreventionGenetics, part of Exact Sciences
Classification: Likely benign for PIEZO1-related condition. Last evaluated: 2019-03-27. Review status: no assertion criteria provided. Collection method: clinical testing. Allele origin: germline. Not counted in ClinVar's aggregate classification.
Comment: This variant is classified as likely benign based on ACMG/AMP sequence variant interpretation guidelines (Richards et al. 2015 PMID: 25741868, with internal and published modifications).

NM_001142864.4(PIEZO1):c.3987C>T (p.Asn1329=)

Gene: PIEZO1 (piezo type mechanosensitive ion channel component 1 (Er blood group); minus strand). Cytogenetic location: 16q24.3.
Variant type: single nucleotide variant.
Coding change: c.3987C>T on transcript NM_001142864.4 (MANE Select); coding-DNA position 3987, C replaced by T.
Protein change: p.Asn1329=; no amino-acid change (asparagine 1329 retained).
Molecular consequence: synonymous variant.
Genome position (GRCh38, 1-based): chr16:88,725,666, G>A on the plus strand (C>T on the coding strand, the complement: PIEZO1 is on the minus strand). VCF-style: chr16-88725666-G-A. GRCh37 (hg19) VCF-style: chr16-88792074-G-A.
Other names: c.2529C>T, p.Asn843= (NM_014745.1).
Identifiers: ClinVar variation 3057248 (VCV003057248.3), dbSNP rs370458253, ClinGen allele CA8232287.